The following is an entry in ClinVar:

NM_000089.4(COL1A2):c.2738G>A (p.Gly913Asp)

Gene: COL1A2 (collagen type I alpha 2 chain; plus strand). Cytogenetic location: 7q21.3.
Variant type: single nucleotide variant.
Coding change: c.2738G>A on transcript NM_000089.4 (MANE Select); coding-DNA position 2738, G replaced by A.
Protein change: p.Gly913Asp; replaces glycine 913 with aspartic acid.
Molecular consequence: missense variant.
Genome position (GRCh38, 1-based): chr7:94,425,181, G>A. VCF-style: chr7-94425181-G-A. GRCh37 (hg19) VCF-style: chr7-94054493-G-A.
Other names: short protein forms G913D.
Identifiers: ClinVar variation 1804638 (VCV001804638.9), dbSNP rs886042129, ClinGen allele CA368224510.

ClinVar aggregate classification (germline): Pathogenic/Likely pathogenic. Review status: criteria provided, multiple submitters, no conflicts (2 of 4 stars). 5 submissions from 5 submitters: Pathogenic (2); Likely pathogenic (2). 1 of the submissions does not count toward it. Last evaluated 2025-09-08.

Conditions:
Osteogenesis imperfecta with normal sclerae, dominant form (OI4). Also called: OSTEOGENESIS IMPERFECTA, TYPE IV, WITH DENTINOGENESIS IMPERFECTA; Osteogenesis imperfecta type 4; OSTEOGENESIS IMPERFECTA WITH NORMAL SCLERAE; Osteogenesis Imperfecta Type IV; Common Variable Osteogenesis Imperfecta with Normal Sclerae. Identifiers: Orphanet 216820, Orphanet 666, MedGen C0268363, MONDO:0008148, OMIM 166220.
Osteogenesis imperfecta type I (OI1). Also called: Osteogenesis imperfecta type 1; OI, TYPE I; OSTEOGENESIS IMPERFECTA TARDA; OSTEOGENESIS IMPERFECTA WITH BLUE SCLERAE; Lobstein's Disease; Lobstein disease. Identifiers: Orphanet 216796, Orphanet 666, MedGen C0023931, MONDO:0008146, OMIM 166200. Disease mechanism: loss of function.
Ehlers-Danlos syndrome, classic type, 1 (EDSCL1). Also called: EDS I; EHLERS-DANLOS SYNDROME, GRAVIS TYPE; EHLERS-DANLOS SYNDROME, SEVERE CLASSIC TYPE; Ehlers-Danlos syndrome, type 1; Ehlers-Danlos Syndrome, Classic Type, COL5A1-Related. Identifiers: MedGen C0268335, MONDO:0019567, OMIM 130000.
COL1A2-related disorder. Also called: COL1A2-Related Disorders; COL1A2-related condition.

Submissions (5):

Labcorp Genetics (formerly Invitae), Labcorp
Classification: Pathogenic for Osteogenesis imperfecta type I; Ehlers-Danlos syndrome, classic type, 1. Last evaluated: 2025-09-08. Review status: criteria provided, single submitter. Criteria: Invitae Variant Classification Sherloc (09022015). Collection method: clinical testing. Allele origin: germline.
Comment: This sequence change replaces glycine, which is neutral and non-polar, with aspartic acid, which is acidic and polar, at codon 913 of the COL1A2 protein (p.Gly913Asp). This variant is not present in population databases (gnomAD no frequency). This missense change has been observed in individual(s) with autosomal dominant COL1A2-related conditions (PMID: 35154279, 36951356; internal data). ClinVar contains an entry for this variant (Variation ID: 1804638). Invitae Evidence Modeling of protein sequence and biophysical properties (such as structural, functional, and spatial information, amino acid conservation, physicochemical variation, residue mobility, and thermodynamic stability) indicates that this missense variant is expected to disrupt COL1A2 protein function with a positive predictive value of 95%. This variant disrupts the triple helix domain of COL1A2. Glycine residues within the Gly-Xaa-Yaa repeats of the triple helix domain are required for the structure and stability of fibrillar collagens (PMID: 7695699, 8218237, 19344236). In COL1A2, variants affecting these glycine residues are significantly enriched in individuals with disease (PMID: 9016532, 17078022) compared to the general population (ExAC). For these reasons, this variant has been classified as Pathogenic.

GeneDx
Classification: Likely pathogenic. Last evaluated: 2022-12-12. Review status: criteria provided, single submitter. Criteria: GeneDx Variant Classification Process June 2021. Collection method: clinical testing. Allele origin: germline. Affected: yes.
Comment: Identified in a patient with osteogenesis imperfect in published literature, but clinical details were not provided (Chen et al., 2022); Occurs in the triple helical domain and replaces a glycine in a canonical Gly-X-Y repeat; missense substitution of a canonical glycine residue is expected to disrupt normal protein folding and function, and this is an established mechanism of disease (Jovanovic et al., 2021); Not observed at significant frequency in large population cohorts (gnomAD); In silico analysis supports that this missense variant has a deleterious effect on protein structure/function; This variant is associated with the following publications: (PMID: 34007986, 25962526, 24342908, 35154279)

Blueprint Genetics
Classification: Likely pathogenic for COL1A2-related disorders. Last evaluated: 2019-02-12. Review status: criteria provided, single submitter. Criteria: ACMG Guidelines, 2015. Collection method: clinical testing. Allele origin: germline. Affected: yes. Observed: 1 variant allele.

Clinical Biomedical Laboratory, Shriners Hospital For Children - Canada
Classification: Pathogenic for Osteogenesis imperfecta with normal sclerae, dominant form. Review status: criteria provided, single submitter. Criteria: ACMG Guidelines, 2015. Collection method: clinical testing. Allele origin: germline. Affected: yes.
Comment: This variant is predicted to substitute a glycine residue by an aspartate residue in the triple helical domain of the collagen type I alpha 2 chain. The variant is absent in the Genome Aggregation Database (gnomAD v2.1.1), indicating it is very rare. Computational tools (REVEL: 0.99) suggest that the amino acid change is damaging to protein function. Glycine substitutions in the triple helical domain of the collagen type I alpha 2 chain cause disruption in the formation of the triple helix in the collagen type I molecule and are a typical cause of osteogenesis imperfecta. Based on the ACMG variant interpretation guidelines (criteria: PS3, PM2, PM5, PP2, PP3, PP4), the available evidence supports classification of this variant as pathogenic.

Molecular Genetics laboratory, Necker Hospital
Classification: Likely pathogenic for Osteogenesis imperfecta type I. Review status: no assertion criteria provided. Collection method: clinical testing. Allele origin: unknown. Inheritance: Autosomal dominant inheritance. Affected: yes. Observed: 1 heterozygote. Not counted in ClinVar's aggregate classification.

Literature cited by the submitters: PubMed 35154279 (cited by Labcorp Genetics (formerly Invitae), Labcorp); PubMed 36951356 (cited by Labcorp Genetics (formerly Invitae), Labcorp); PubMed 7695699 (cited by Labcorp Genetics (formerly Invitae), Labcorp); PubMed 8218237 (cited by Labcorp Genetics (formerly Invitae), Labcorp); PubMed 19344236 (cited by Labcorp Genetics (formerly Invitae), Labcorp); PubMed 9016532 (cited by Labcorp Genetics (formerly Invitae), Labcorp); PubMed 17078022 (cited by Labcorp Genetics (formerly Invitae), Labcorp).